The following is an entry in ClinVar:

NM_032119.4(ADGRV1):c.10588T>C (p.Tyr3530His)

Gene: ADGRV1 (adhesion G protein-coupled receptor V1; plus strand). Cytogenetic location: 5q14.3.
Variant type: single nucleotide variant.
Coding change: c.10588T>C on transcript NM_032119.4 (MANE Select); coding-DNA position 10588, T replaced by C.
Protein change: p.Tyr3530His; replaces tyrosine 3530 with histidine.
Molecular consequence: missense variant. On other transcripts: non-coding transcript variant (1).
Genome position (GRCh38, 1-based): chr5:90,745,084, T>C. VCF-style: chr5-90745084-T-C. GRCh37 (hg19) VCF-style: chr5-90040901-T-C.
Other names: short protein forms Y3530H.
Identifiers: ClinVar variation 1394353 (VCV001394353.6), dbSNP rs758944291, ClinGen allele CA3340793.

ClinVar aggregate classification (germline): Uncertain significance (1 of 4 stars; one submission).

Allele frequency attached by ClinVar (database versions not stated): ExAC 0.00001; gnomAD 0.00001; gnomAD exomes 0.00001.
gnomAD v4.1: 5 of 1,613,712 alleles (0.00031%); highest among the groups gnomAD compares: Admixed American, 0.0033%; no homozygotes.

Submission:

Labcorp Genetics (formerly Invitae), Labcorp
Classification: Uncertain significance. Last evaluated: 2021-11-21. Review status: criteria provided, single submitter. Criteria: Invitae Variant Classification Sherloc (09022015). Collection method: clinical testing. Allele origin: germline.
Comment: In summary, the available evidence is currently insufficient to determine the role of this variant in disease. Therefore, it has been classified as a Variant of Uncertain Significance. Algorithms developed to predict the effect of missense changes on protein structure and function are either unavailable or do not agree on the potential impact of this missense change (SIFT: "Deleterious"; PolyPhen-2: "Possibly Damaging"; Align-GVGD: "Class C0"). This variant has not been reported in the literature in individuals affected with ADGRV1-related conditions. This variant is not present in population databases (gnomAD no frequency). This sequence change replaces tyrosine, which is neutral and polar, with histidine, which is basic and polar, at codon 3530 of the ADGRV1 protein (p.Tyr3530His).